The following is an entry in ClinVar:

NM_001330078.2(NRXN1):c.4217-13C>T

Gene: NRXN1 (neurexin 1; minus strand). Cytogenetic location: 2p16.3.
Variant type: single nucleotide variant.
Coding change: c.4217-13C>T on transcript NM_001330078.2 (MANE Select); 13 bases into the intron before coding-DNA position 4217, C replaced by T.
Molecular consequence: intron variant.
Genome position (GRCh38, 1-based): chr2:49,922,264, G>A on the plus strand (C>T on the coding strand, the complement: NRXN1 is on the minus strand). VCF-style: chr2-49922264-G-A. GRCh37 (hg19) VCF-style: chr2-50149402-G-A.
Other names: c.4007-13C>T (NM_001330096.2); c.4016-13C>T (NM_001330087.2); c.4052-13C>T (NM_001330083.2); c.4151-13C>T (NM_001330084.2); c.4037-13C>T (NM_001330088.2); c.4214-13C>T (NM_001330093.2); c.4196-13C>T (NM_001330094.2); c.4076-13C>T (NM_001330095.2); and 12 more.
Identifiers: ClinVar variation 378302 (VCV000378302.8), dbSNP rs376269786, ClinGen allele CA1654240.

ClinVar aggregate classification (germline): Benign/Likely benign. Review status: criteria provided, multiple submitters, no conflicts (2 of 4 stars). 2 submissions from 2 submitters: Benign (1); Likely benign (1). Last evaluated 2025-06-17.

Conditions:
Pitt-Hopkins-like syndrome 2 (PTHSL2). Identifiers: Orphanet 221150, Orphanet 600663, MedGen C3280479, MONDO:0013690, OMIM 614325.

Allele frequency attached by ClinVar (database versions not stated): gnomAD exomes 0.00001; ExAC 0.00003; gnomAD 0.00007 and 0.00009; ESP Exome Variant Server 0.00008; TOPMed 0.00008.
gnomAD v4.1: 23 of 1,609,058 alleles (0.0014%); highest among the groups gnomAD compares: African/African-American, 0.025%; no homozygotes.

Submissions (2):

Labcorp Genetics (formerly Invitae), Labcorp
Classification: Likely benign for Pitt-Hopkins-like syndrome 2. Last evaluated: 2025-06-17. Review status: criteria provided, single submitter. Criteria: Invitae Variant Classification Sherloc (09022015). Collection method: clinical testing. Allele origin: germline.

GeneDx
Classification: Benign. Last evaluated: 2015-08-11. Review status: criteria provided, single submitter. Criteria: GeneDx Variant Classification (06012015). Collection method: clinical testing. Allele origin: germline. Affected: yes.
Comment: This variant is considered likely benign or benign based on one or more of the following criteria: it is a conservative change, it occurs at a poorly conserved position in the protein, it is predicted to be benign by multiple in silico algorithms, and/or has population frequency not consistent with disease.